The following is an entry in ClinVar:

NM_006940.6(SOX5):c.1596T>G (p.Asp532Glu)

Gene: SOX5 (SRY-box transcription factor 5; minus strand). Cytogenetic location: 12p12.1.
Variant type: single nucleotide variant.
Coding change: c.1596T>G on transcript NM_006940.6 (MANE Select); coding-DNA position 1596, T replaced by G.
Protein change: p.Asp532Glu; replaces aspartic acid 532 with glutamic acid.
Molecular consequence: missense variant.
Genome position (GRCh38, 1-based): chr12:23,546,317, A>C on the plus strand (T>G on the coding strand, the complement: SOX5 is on the minus strand). VCF-style: chr12-23546317-A-C. GRCh37 (hg19) VCF-style: chr12-23699251-A-C.
Other names: c.1233T>G, p.Asp411Glu (NM_001261414.3); c.1566T>G, p.Asp522Glu (NM_001261415.3); c.1491T>G, p.Asp497Glu (NM_001330785.2); c.1557T>G, p.Asp519Glu (NM_152989.5); c.438T>G, p.Asp146Glu (NM_178010.4); short protein forms D146E, D411E, D497E, D519E, D522E, D532E.
Identifiers: ClinVar variation 2498548 (VCV002498548.28), dbSNP rs2547838863, ClinGen allele CA384320090.
Genomic context (GRCh38, chr12:23,546,317, plus strand): 5'-TGGCACTACCTAGACACTTTCTTGCATTATTAGAATATGTATGAACAATTTTCACAAACC[A>C]TCAGAATCTCCACTCAGATTGAAATCCATCATTGCATGGCTAAATTTTCCTTCTTCATTC-3'
Protein context (NP_008871.3, residues 522-542): MMDFNLSGDS[Asp532Glu]GSAGVSESRI

ClinVar aggregate classification (germline): Uncertain significance (1 of 4 stars; one submission).

Submission:

CeGaT Center for Human Genetics Tuebingen
Classification: Uncertain significance. Last evaluated: 2023-02-01. Review status: criteria provided, single submitter. Criteria: CeGaT Center For Human Genetics Tuebingen Variant Classification Criteria Version 2. Collection method: clinical testing. Allele origin: germline. Affected: yes. Observed: 1 variant allele.
Comment: SOX5: PM2, PP2, PP3